The following is an entry in ClinVar:

ClinVar aggregate classification (germline): Uncertain significance (1 of 4 stars; one submission).

Conditions:
Hereditary breast ovarian cancer syndrome. Also called: Hereditary breast and ovarian cancer; Hereditary breast and ovarian cancer syndrome; Breast and ovarian cancer; BRCA1- and BRCA2-Associated Hereditary Breast and Ovarian Cancer; Hereditary breast and ovarian cancer syndrome (HBOC); Hereditary breast and/or ovarian cancer syndrome. Identifiers: Orphanet 145, MedGen C0677776, MeSH D061325, MONDO:0003582. Disease mechanism: loss of function.

Allele frequency attached by ClinVar (database versions not stated): gnomAD exomes below 0.00001.
gnomAD v4.1: 1 of 1,612,926 alleles (0.000062%); highest among the groups gnomAD compares: Non-Finnish European, 0.000085%; no homozygotes.

Submission:

Labcorp Genetics (formerly Invitae), Labcorp
Classification: Uncertain significance for Hereditary breast ovarian cancer syndrome. Last evaluated: 2023-05-31. Review status: criteria provided, single submitter. Criteria: Invitae Variant Classification Sherloc (09022015). Collection method: clinical testing. Allele origin: germline.
Comment: This sequence change replaces glutamic acid, which is acidic and polar, with lysine, which is basic and polar, at codon 1380 of the BRCA1 protein (p.Glu1380Lys). In summary, the available evidence is currently insufficient to determine the role of this variant in disease. Therefore, it has been classified as a Variant of Uncertain Significance. Advanced modeling of protein sequence and biophysical properties (such as structural, functional, and spatial information, amino acid conservation, physicochemical variation, residue mobility, and thermodynamic stability) performed at Invitae indicates that this missense variant is not expected to disrupt BRCA1 protein function. This variant has not been reported in the literature in individuals affected with BRCA1-related conditions. This variant is not present in population databases (gnomAD no frequency).

NM_007294.4(BRCA1):c.4138G>A (p.Glu1380Lys)

Gene: BRCA1 (BRCA1 DNA repair associated; minus strand). Cytogenetic location: 17q21.31.
Variant type: single nucleotide variant.
Coding change: c.4138G>A on transcript NM_007294.4 (MANE Select); coding-DNA position 4138, G replaced by A.
Protein change: p.Glu1380Lys; replaces glutamic acid 1380 with lysine.
Molecular consequence: missense variant.
Genome position (GRCh38, 1-based): chr17:43,090,991, C>T on the plus strand (G>A on the coding strand, the complement: BRCA1 is on the minus strand). VCF-style: chr17-43090991-C-T. GRCh37 (hg19) VCF-style: chr17-41243008-C-T.
Other names: c.706G>A, p.Glu236Lys (NM_001408443.1, NM_001408444.1, NM_001408436.1 and 12 more transcripts); c.703G>A, p.Glu235Lys (NM_001408447.1, NM_001408434.1, NM_001408435.1 and 6 more transcripts); c.709G>A, p.Glu237Lys (NM_001408431.1, NM_001408421.1, NM_001408424.1); c.688G>A, p.Glu230Lys (NM_001408456.1, NM_001408454.1, NM_001408455.1 and 11 more transcripts); c.562G>A, p.Glu188Lys (NM_001408505.1, NM_001408503.1, NM_001408504.1); c.502G>A, p.Glu168Lys (NM_001408507.1, NM_001408506.1); c.496G>A, p.Glu166Lys (NM_001408502.1); c.694G>A, p.Glu232Lys (NM_001408451.1); and 41 more; short protein forms E1212K, E1291K, E1312K, E1339K, E1353K, E1354K, E1377K, E166K.
Identifiers: ClinVar variation 2752886 (VCV002752886.3), dbSNP rs2053439893, ClinGen allele CA10593450.